The following is an entry in ClinVar:

NM_001433705.1(NLRP5):c.3279G>A (p.Ser1093=)

Gene: NLRP5 (NLR family pyrin domain containing 5; plus strand). Cytogenetic location: 19q13.43.
Variant type: single nucleotide variant.
Coding change: c.3279G>A on transcript NM_001433705.1 (MANE Select); coding-DNA position 3279, G replaced by A.
Protein change: p.Ser1093=; no amino-acid change (serine 1093 retained).
Molecular consequence: synonymous variant.
Genome position (GRCh38, 1-based): chr19:56,058,372, G>A. VCF-style: chr19-56058372-G-A. GRCh37 (hg19) VCF-style: chr19-56569738-G-A.
Other names: NM_153447.4:c.3432G>A.
Identifiers: ClinVar variation 796871 (VCV000796871.5), dbSNP rs770420275, ClinGen allele CA9686279.

ClinVar aggregate classification (germline): Likely benign. Review status: criteria provided, single submitter (1 of 4 stars). 2 submissions from 2 submitters: Likely benign (1). 1 of the submissions does not count toward it. Last evaluated 2018-12-21.

Conditions:
NLRP5-related disorder. Also called: NLRP5-related condition.

Allele frequency attached by ClinVar (database versions not stated): gnomAD 0.00003; gnomAD exomes 0.00004; TOPMed 0.00003; ExAC 0.00004.
gnomAD v4.1: 29 of 1,613,782 alleles (0.0018%); highest among the groups gnomAD compares: African/African-American, 0.008%; no homozygotes.

Submissions (2):

Labcorp Genetics (formerly Invitae), Labcorp
Classification: Likely benign. Last evaluated: 2018-12-21. Review status: criteria provided, single submitter. Criteria: Invitae Variant Classification Sherloc (09022015). Collection method: clinical testing. Allele origin: germline.

PreventionGenetics, part of Exact Sciences
Classification: Likely benign for NLRP5-related condition. Last evaluated: 2019-03-26. Review status: no assertion criteria provided. Collection method: clinical testing. Allele origin: germline. Not counted in ClinVar's aggregate classification.
Comment: This variant is classified as likely benign based on ACMG/AMP sequence variant interpretation guidelines (Richards et al. 2015 PMID: 25741868, with internal and published modifications).